The following is an entry in ClinVar:

ClinVar aggregate classification (germline): Uncertain significance. Review status: criteria provided, multiple submitters, no conflicts (2 of 4 stars). 3 submissions from 3 submitters: Uncertain significance (3). Last evaluated 2024-07-08.

Conditions:
Primary ciliary dyskinesia 23 (CILD23). Also called: CILIARY DYSKINESIA, PRIMARY, 23, WITH OR WITHOUT SITUS INVERSUS. Identifiers: Orphanet 244, MedGen C3809548, MONDO:0014193, OMIM 615451.
Primary ciliary dyskinesia. Also called: Ciliary dyskinesia. Identifiers: Orphanet 244, MedGen C0008780, MONDO:0016575, HP:0012265.

Allele frequency attached by ClinVar (database versions not stated): gnomAD exomes 0.00004 and 0.00007; ExAC 0.00007; gnomAD 0.00010; ESP Exome Variant Server 0.00015; TOPMed 0.00030.
gnomAD v4.1: 86 of 1,613,956 alleles (0.0053%); highest among the groups gnomAD compares: African/African-American, 0.083%; no homozygotes.

Submissions (3):

Blueprint Genetics
Classification: Uncertain significance. Last evaluated: 2024-07-08. Review status: criteria provided, single submitter. Criteria: ACMG Guidelines, 2015. Collection method: clinical testing. Allele origin: germline.

Labcorp Genetics (formerly Invitae), Labcorp
Classification: Uncertain significance for Primary ciliary dyskinesia 23. Last evaluated: 2022-07-19. Review status: criteria provided, single submitter. Criteria: Invitae Variant Classification Sherloc (09022015). Collection method: clinical testing. Allele origin: germline.
Comment: This sequence change replaces arginine, which is basic and polar, with glutamine, which is neutral and polar, at codon 639 of the ARMC4 protein (p.Arg639Gln). This variant is present in population databases (rs148908705, gnomAD 0.04%). This variant has not been reported in the literature in individuals affected with ARMC4-related conditions. ClinVar contains an entry for this variant (Variation ID: 541499). Algorithms developed to predict the effect of missense changes on protein structure and function output the following: SIFT: "Tolerated"; PolyPhen-2: "Benign"; Align-GVGD: "Class C0". The glutamine amino acid residue is found in multiple mammalian species, which suggests that this missense change does not adversely affect protein function. Algorithms developed to predict the effect of sequence changes on RNA splicing suggest that this variant may create or strengthen a splice site. In summary, the available evidence is currently insufficient to determine the role of this variant in disease. Therefore, it has been classified as a Variant of Uncertain Significance.

Ambry Genetics
Classification: Uncertain significance for Primary ciliary dyskinesia. Last evaluated: 2017-03-09. Review status: criteria provided, single submitter. Criteria: Ambry Variant Classification Scheme 2023. Collection method: clinical testing. Allele origin: germline.
Comment: The p.R639Q variant (also known as c.1916G>A), located in coding exon 12 of the ARMC4 gene, results from a G to A substitution at nucleotide position 1916. The arginine at codon 639 is replaced by glutamine, an amino acid with highly similar properties. This amino acid position is not well conserved in available vertebrate species. In addition, this alteration is predicted to be tolerated by in silico analysis. Since supporting evidence is limited at this time, the clinical significance of this alteration remains unclear.

NM_018076.5(ODAD2):c.1916G>A (p.Arg639Gln)

Gene: ODAD2 (outer dynein arm docking complex subunit 2; minus strand). Cytogenetic location: 10p12.1.
Variant type: single nucleotide variant.
Coding change: c.1916G>A on transcript NM_018076.5 (MANE Select); coding-DNA position 1916, G replaced by A.
Protein change: p.Arg639Gln; replaces arginine 639 with glutamine.
Molecular consequence: missense variant.
Genome position (GRCh38, 1-based): chr10:27,940,633, C>T on the plus strand (G>A on the coding strand, the complement: ODAD2 is on the minus strand). VCF-style: chr10-27940633-C-T. GRCh37 (hg19) VCF-style: chr10-28229562-C-T.
Other names: c.1916G>A, p.Arg639Gln (NM_001290020.2); c.491G>A, p.Arg164Gln (NM_001290021.2); c.992G>A, p.Arg331Gln (NM_001312689.2); short protein forms R639Q, R331Q, R164Q.
Identifiers: ClinVar variation 541499 (VCV000541499.9), dbSNP rs148908705, ClinGen allele CA5453367.